The following is an entry in ClinVar:

Single allele

Variant type: Deletion.
Identifiers: ClinVar variation 157016 (VCV000157016.2).

ClinVar aggregate classification (germline): not provided (0 of 4 stars; one submission).

Conditions:
Normal pregnancy. Identifiers: MedGen C0232989.

Submission:

Institute of Molecular and Cell Biology, University of Tartu
No classification provided. Condition: Normal pregnancy. Review status: no classification provided. Collection method: case-control. Allele origin: unknown. Affected: yes. Study: Kasak2014.
Comment: The study aimed to determine the contribution of copy number variants in the genetic etiology of normal and complicated pregnancies. The samples represented (i) maternal blood DNA drawn from healthy pregnant women during 1st or 2nd trimester and (ii) maternal and paternal blood DNA drawn at term pregnancy cases representing normal and complicated gestations (severe preeclampsia, PE; gestational diabetes, GD; small-for-gestational age newborn, SGA; large-for-gestational age newborn, LGA). We performed CNV calling based on genome-wide genotyping dataset (Illumina HumanOmniExpress-24-v1 BeadChip) by applying three algorithms, QuantiSNP, GADA (Genome Alteration Detection Algorithm) and CNstream in parallel. The acquired CNV calls were merged with HD-CNV (Hotspot Detector for Copy Number Variants) program and only the CNVs predicted by at least two programs, were considered in subsequent analysis.

Literature cited by the submitters: PubMed 25666259.